The following is an entry in ClinVar:

NM_001876.4(CPT1A):c.517C>T (p.Arg173Cys)

Gene: CPT1A (carnitine palmitoyltransferase 1A; minus strand). Cytogenetic location: 11q13.3.
Variant type: single nucleotide variant.
Coding change: c.517C>T on transcript NM_001876.4 (MANE Select); coding-DNA position 517, C replaced by T.
Protein change: p.Arg173Cys; replaces arginine 173 with cysteine.
Molecular consequence: missense variant.
Genome position (GRCh38, 1-based): chr11:68,804,038, G>A on the plus strand (C>T on the coding strand, the complement: CPT1A is on the minus strand). VCF-style: chr11-68804038-G-A. GRCh37 (hg19) VCF-style: chr11-68571506-G-A.
Other names: c.517C>T, p.Arg173Cys (NM_001031847.3); short protein forms R173C.
Identifiers: ClinVar variation 463967 (VCV000463967.10), dbSNP rs774388890, ClinGen allele CA6152641.
Genomic context (GRCh38, chr11:68,804,038, plus strand): 5'-GTGAGGCCTAAGCCACACCTACCCTGTTCACAGTGTCTTTGACAGCCGGGACCGGCAGGC[G>A]AGGCAGCGATGTCTGGAAGCTGTACAACATGGGTTTTCGGCCTGAAAAGATCTTGACCAT-3'
Protein context (NP_001867.2, residues 163-183): MLYSFQTSLP[Arg173Cys]LPVPAVKDTV

ClinVar aggregate classification (germline): Uncertain significance. Review status: criteria provided, multiple submitters, no conflicts (2 of 4 stars). 3 submissions from 3 submitters: Uncertain significance (2). 1 of the submissions does not count toward it. Last evaluated 2025-10-03.

Conditions:
Inborn genetic diseases. Identifiers: MedGen C0950123, MeSH D030342.
Carnitine palmitoyl transferase 1A deficiency. Also called: Carnitine palmitoyltransferase 1A deficiency; CPT deficiency, hepatic, type IA; Carnitine palmitoyltransferase type I deficiency; CPT I DEFICIENCY; CPT DEFICIENCY, HEPATIC, TYPE I. Identifiers: Orphanet 156, MedGen C1829703, MONDO:0009705, OMIM 255120.

Allele frequency attached by ClinVar (database versions not stated): gnomAD exomes 0.00002; ExAC 0.00003; gnomAD 0.00003 and 0.00004; TOPMed 0.00004.
gnomAD v4.1: 31 of 1,613,972 alleles (0.0019%); highest among the groups gnomAD compares: Admixed American, 0.013%; no homozygotes.

Submissions (3):

Ambry Genetics
Classification: Uncertain significance for Inborn genetic diseases. Last evaluated: 2025-10-03. Review status: criteria provided, single submitter. Criteria: Ambry Variant Classification Scheme 2023. Collection method: clinical testing. Allele origin: germline.

Labcorp Genetics (formerly Invitae), Labcorp
Classification: Uncertain significance for Carnitine palmitoyl transferase 1A deficiency. Last evaluated: 2022-05-29. Review status: criteria provided, single submitter. Criteria: Invitae Variant Classification Sherloc (09022015). Collection method: clinical testing. Allele origin: germline.
Comment: This sequence change replaces arginine, which is basic and polar, with cysteine, which is neutral and slightly polar, at codon 173 of the CPT1A protein (p.Arg173Cys). This variant is present in population databases (rs774388890, gnomAD 0.009%). This variant has not been reported in the literature in individuals affected with CPT1A-related conditions. ClinVar contains an entry for this variant (Variation ID: 463967). Algorithms developed to predict the effect of missense changes on protein structure and function are either unavailable or do not agree on the potential impact of this missense change (SIFT: "Deleterious"; PolyPhen-2: "Possibly Damaging"; Align-GVGD: "Class C15"). In summary, the available evidence is currently insufficient to determine the role of this variant in disease. Therefore, it has been classified as a Variant of Uncertain Significance.

Natera, Inc.
Classification: Uncertain significance for Carnitine palmitoyltransferase type I deficiency. Last evaluated: 2020-04-16. Review status: no assertion criteria provided. Collection method: clinical testing. Allele origin: germline. Not counted in ClinVar's aggregate classification.